The following is an entry in ClinVar:

NM_001282225.2(ADA2):c.927G>A (p.Met309Ile)

Gene: ADA2 (adenosine deaminase 2; minus strand). Cytogenetic location: 22q11.1.
Variant type: single nucleotide variant.
Coding change: c.927G>A on transcript NM_001282225.2 (MANE Select); coding-DNA position 927, G replaced by A.
Protein change: p.Met309Ile; replaces methionine 309 with isoleucine.
Molecular consequence: missense variant.
Genome position (GRCh38, 1-based): chr22:17,189,987, C>T on the plus strand (G>A on the coding strand, the complement: ADA2 is on the minus strand). VCF-style: chr22-17189987-C-T. GRCh37 (hg19) VCF-style: chr22-17670877-C-T.
Other names: c.927G>A, p.Met309Ile (NM_001282226.2); c.801G>A, p.Met267Ile (NM_001282227.2, NM_001282228.2); c.567G>A, p.Met189Ile (NM_001282229.2); c.204G>A, p.Met68Ile (NM_177405.3); short protein forms M267I, M309I, M189I, M68I.
Identifiers: ClinVar variation 375247 (VCV000375247.65), dbSNP rs146597836, ClinGen allele CA10088046.
Genomic context (GRCh38, chr22:17,189,987, plus strand): 5'-CACAGCATGGGTTACCAGGTCAAACCCTGCCACCACCGTGGGGAACTTGATTCGGAGCCC[C>T]ATGGCCATTCGGATGGATTCTGCGATGACAGCCACATCTTTGGATCTGTGAGACAGACAG-3'
Protein context (NP_001269154.1, residues 299-319): AVIAESIRMA[Met309Ile]GLRIKFPTVV

ClinVar aggregate classification (germline): Conflicting classifications of pathogenicity. Review status: criteria provided, conflicting classifications (1 of 4 stars). 12 submissions from 12 submitters: Uncertain significance (1); Benign (2); Likely benign (4). 5 of the submissions do not count toward it. Last evaluated 2026-07-01.

Conditions:
Behcet disease (BD). Also called: Behcet's syndrome; Behcet Syndrome. Identifiers: Orphanet 117, MedGen C0004943, MONDO:0007191, OMIM 109650, MeSH D001528.
Deficiency of adenosine deaminase 2. Also called: Polyarteritis nodosa, childhoood-onset; Adenosine Deaminase 2 Deficiency; VASCULITIS, AUTOINFLAMMATION, IMMUNODEFICIENCY, AND HEMATOLOGIC DEFECTS SYNDROME. Identifiers: Orphanet 404553, MedGen C3887654, MONDO:0014306, OMIM 615688, MONDO:0100317.
ADA2-related disorder. Also called: ADA2-related condition.
Autoinflammatory syndrome. Identifiers: Orphanet 93665, MedGen C3890737, MONDO:0019751.

Allele frequency attached by ClinVar (database versions not stated): 1000 Genomes Project 0.00060; 1000 Genomes Project 30x 0.00078; gnomAD 0.00123 and 0.00156; gnomAD exomes 0.00151 and 0.00175; ESP Exome Variant Server 0.00161; TOPMed 0.00173; ExAC 0.00198.
gnomAD v4.1: 2,497 of 1,614,082 alleles (0.15%); highest among the groups gnomAD compares: Middle Eastern, 1.2%; 4 homozygotes.

Submissions (12):

CeGaT Center for Human Genetics Tuebingen
Classification: Likely benign. Last evaluated: 2026-07-01. Review status: criteria provided, single submitter. Criteria: CeGaT Center For Human Genetics Tuebingen Variant Classification Criteria Version 2. Collection method: clinical testing. Allele origin: germline. Affected: yes. Observed: 16 variant alleles.
Comment: ADA2: BS2

Women's Health and Genetics/Laboratory Corporation of America, LabCorp
Classification: Likely benign. Last evaluated: 2026-01-30. Review status: criteria provided, single submitter. Criteria: LabCorp Variant Classification Summary - May 2015. Collection method: clinical testing. Allele origin: germline.
Comment: Variant summary: ADA2 c.927G>A (p.Met309Ile) results in a conservative amino acid change in the encoded protein sequence. Algorithms developed to predict the effect of missense changes on protein structure and function all suggest that this variant is likely to be tolerated. The variant allele was found at a frequency of 0.0018 in 251468 control chromosomes in the gnomAD database, including 1 homozygotes. The observed variant frequency exceeds the estimated maximal expected allele frequency for disease-causing variants in ADA2. To our knowledge, no occurrence of c.927G>A in individuals affected with ADA2-related conditions and no experimental evidence demonstrating its impact on protein function have been reported. ClinVar contains an entry for this variant (Variation ID: 375247). Based on the evidence outlined above, the variant was classified as likely benign.

Labcorp Genetics (formerly Invitae), Labcorp
Classification: Likely benign for Deficiency of adenosine deaminase 2. Last evaluated: 2026-01-27. Review status: criteria provided, single submitter. Criteria: Invitae Variant Classification Sherloc (09022015). Collection method: clinical testing. Allele origin: germline.

Blueprint Genetics
Classification: Uncertain significance. Last evaluated: 2024-11-25. Review status: criteria provided, single submitter. Criteria: ACMG Guidelines, 2015. Collection method: clinical testing. Allele origin: germline.

Mayo Clinic Laboratories, Mayo Clinic
Classification: Likely benign. Last evaluated: 2024-08-20. Review status: criteria provided, single submitter. Criteria: ACMG Guidelines, 2015. Collection method: clinical testing. Allele origin: germline. Observed: 6 variant alleles.
Comment: BS1, PM3_supporting, PS3_supporting

Genome Diagnostics Laboratory, The Hospital for Sick Children
Classification: Benign for Autoinflammatory syndrome. Last evaluated: 2022-03-17. Review status: criteria provided, single submitter. Criteria: ACMG Guidelines, 2015. Collection method: clinical testing. Allele origin: germline. Affected: yes.

Laboratory for Molecular Medicine, Mass General Brigham Personalized Medicine
Classification: Benign. Last evaluated: 2018-03-19. Review status: criteria provided, single submitter. Criteria: ACMG Guidelines, 2015. Collection method: clinical testing. Allele origin: germline.
Comment: The p.Met309Ile variant in ADA2 is classified as benign because of its high frequency of 0.61% in Ashkenazi Jewish chromosomes by the Genome Aggregation Database (gnomAD; dbSNP rs146597836). This variant is present in ClinVar (variant ID 361951). Computational prediction tools and conservation analysis suggest that the p.Met309Ile variant may not impact the protein. ACMG/AMP criteria applied: BA1, BP4.

Genetic Services Laboratory, University of Chicago
Classification: Likely benign. Last evaluated: 2022-02-16. Review status: no assertion criteria provided. Collection method: clinical testing. Allele origin: germline. Affected: no. Not counted in ClinVar's aggregate classification.

PreventionGenetics, part of Exact Sciences
Classification: Likely benign for ADA2-related condition. Last evaluated: 2020-03-05. Review status: no assertion criteria provided. Collection method: clinical testing. Allele origin: germline. Not counted in ClinVar's aggregate classification.
Comment: This variant is classified as likely benign based on ACMG/AMP sequence variant interpretation guidelines (Richards et al. 2015 PMID: 25741868, with internal and published modifications).

Department of Immunology, Hospital Universitario Virgen del Rocio
Classification: Pathogenic for Behcet disease. Last evaluated: 2017-01-13. Review status: no assertion criteria provided. Collection method: case-control. Allele origin: germline. Affected: yes. Observed: 3 variant alleles, 3 heterozygotes. Not counted in ClinVar's aggregate classification.

Clinical Genetics DNA and cytogenetics Diagnostics Lab, Erasmus MC, Erasmus Medical Center
Classification: Likely benign. Review status: no assertion criteria provided. Collection method: clinical testing. Allele origin: germline. Affected: yes. Study: VKGL Data-share Consensus. Not counted in ClinVar's aggregate classification.

Genome Diagnostics Laboratory, University Medical Center Utrecht
Classification: Likely benign. Review status: no assertion criteria provided. Collection method: clinical testing. Allele origin: germline. Affected: yes. Study: VKGL Data-share Consensus. Not counted in ClinVar's aggregate classification.

Literature cited by the submitters: PubMed 31008556 (cited by Mayo Clinic Laboratories, Mayo Clinic); PubMed 33021335 (cited by Mayo Clinic Laboratories, Mayo Clinic); PubMed 33420503 (cited by Mayo Clinic Laboratories, Mayo Clinic); PubMed 34004258 (cited by Mayo Clinic Laboratories, Mayo Clinic); PubMed 34573280 (cited by Mayo Clinic Laboratories, Mayo Clinic).